The following is an entry in ClinVar:

NM_000400.4(ERCC2):c.1561G>A (p.Gly521Arg)

Gene: ERCC2 (ERCC excision repair 2, TFIIH core complex helicase subunit; minus strand). Cytogenetic location: 19q13.32.
Variant type: single nucleotide variant.
Coding change: c.1561G>A on transcript NM_000400.4 (MANE Select); coding-DNA position 1561, G replaced by A.
Protein change: p.Gly521Arg; replaces glycine 521 with arginine.
Molecular consequence: missense variant.
Genome position (GRCh38, 1-based): chr19:45,354,834, C>T on the plus strand (G>A on the coding strand, the complement: ERCC2 is on the minus strand). VCF-style: chr19-45354834-C-T. GRCh37 (hg19) VCF-style: chr19-45858092-C-T.
Other names: short protein forms G521R.
Identifiers: ClinVar variation 2016847 (VCV002016847.4), dbSNP rs2514006394, ClinGen allele CA406365565.

ClinVar aggregate classification (germline): Uncertain significance (1 of 4 stars; one submission).

Submission:

Labcorp Genetics (formerly Invitae), Labcorp
Classification: Uncertain significance. Last evaluated: 2022-07-14. Review status: criteria provided, single submitter. Criteria: Invitae Variant Classification Sherloc (09022015). Collection method: clinical testing. Allele origin: germline.
Comment: In summary, the available evidence is currently insufficient to determine the role of this variant in disease. Therefore, it has been classified as a Variant of Uncertain Significance. Algorithms developed to predict the effect of sequence changes on RNA splicing suggest that this variant may create or strengthen a splice site. Algorithms developed to predict the effect of missense changes on protein structure and function are either unavailable or do not agree on the potential impact of this missense change (SIFT: "Deleterious"; PolyPhen-2: "Benign"; Align-GVGD: "Class C15"). This variant has not been reported in the literature in individuals affected with ERCC2-related conditions. This variant is not present in population databases (gnomAD no frequency). This sequence change replaces glycine, which is neutral and non-polar, with arginine, which is basic and polar, at codon 521 of the ERCC2 protein (p.Gly521Arg).